The following is an entry in ClinVar:

ClinVar aggregate classification (germline): Conflicting classifications of pathogenicity. Review status: criteria provided, conflicting classifications (1 of 4 stars). 3 submissions from 3 submitters: Uncertain significance (2); Likely benign (1). Last evaluated 2026-06-03.

Conditions:
Inborn genetic diseases. Identifiers: MedGen C0950123, MeSH D030342.
Nemaline myopathy 2 (NEM2). Also called: Nemaline myopathy 2, autosomal recessive. Identifiers: MedGen C1850569, MONDO:0009725, OMIM 256030.

Allele frequency attached by ClinVar (database versions not stated): gnomAD exomes below 0.00001; ESP Exome Variant Server 0.00008; ExAC 0.00001; gnomAD 0.00004; TOPMed 0.00004.
gnomAD v4.1: 7 of 1,613,502 alleles (0.00043%); highest among the groups gnomAD compares: African/African-American, 0.008%; no homozygotes.

Submissions (3):

Ambry Genetics
Classification: Uncertain significance for Inborn genetic diseases. Last evaluated: 2026-06-03. Review status: criteria provided, single submitter. Criteria: Ambry Variant Classification Scheme 2023. Collection method: clinical testing. Allele origin: germline.
Comment: The c.6248A>G (p.D2083G) alteration is located in exon 49 (coding exon 47) of the NEB gene. This alteration results from a A to G substitution at nucleotide position 6248, causing the aspartic acid (D) at amino acid position 2083 to be replaced by a glycine (G). Based on data from gnomAD, the G allele has an overall frequency of 0.001% (4/280440) total alleles studied. The highest observed frequency was 0.017% (4/24182) of African alleles. Based on insufficient or conflicting evidence, the clinical significance of this alteration remains unclear.

Labcorp Genetics (formerly Invitae), Labcorp
Classification: Likely benign for Nemaline myopathy 2. Last evaluated: 2025-12-24. Review status: criteria provided, single submitter. Criteria: Invitae Variant Classification Sherloc (09022015). Collection method: clinical testing. Allele origin: germline.

GeneDx
Classification: Uncertain significance. Last evaluated: 2023-03-21. Review status: criteria provided, single submitter. Criteria: GeneDx Variant Classification Process June 2021. Collection method: clinical testing. Allele origin: germline. Affected: yes.
Comment: In silico analysis supports that this missense variant has a deleterious effect on protein structure/function; Has not been previously published as pathogenic or benign to our knowledge

NM_001164508.2(NEB):c.6248A>G (p.Asp2083Gly)

Gene: NEB (nebulin; minus strand). Cytogenetic location: 2q23.3.
Variant type: single nucleotide variant.
Coding change: c.6248A>G on transcript NM_001164508.2 (MANE Select); coding-DNA position 6248, A replaced by G.
Protein change: p.Asp2083Gly; replaces aspartic acid 2083 with glycine.
Molecular consequence: missense variant.
Genome position (GRCh38, 1-based): chr2:151,656,400, T>C on the plus strand (A>G on the coding strand, the complement: NEB is on the minus strand). VCF-style: chr2-151656400-T-C. GRCh37 (hg19) VCF-style: chr2-152512914-T-C.
Other names: c.6248A>G, p.Asp2083Gly (NM_001164507.2, NM_001271208.2, NM_004543.5); c.6248A>G (NM_001271208.1, NM_004543.4); short protein forms D2083G.
Identifiers: ClinVar variation 1427295 (VCV001427295.9), dbSNP rs368626849, ClinGen allele CA1910139.